The following is an entry in ClinVar:

ClinVar aggregate classification (germline): Pathogenic (1 of 4 stars; one submission).

Conditions:
Multiple endocrine neoplasia, type 1 (MEN1). Also called: MEN I; WERMER SYNDROME; Endocrine adenomatosis multiple; MEN 1; MEA I. Identifiers: Orphanet 652, MedGen C0025267, MeSH D018761, MONDO:0007540, OMIM 131100.

Submission:

Labcorp Genetics (formerly Invitae), Labcorp
Classification: Pathogenic for Multiple endocrine neoplasia, type 1. Last evaluated: 2016-08-02. Review status: criteria provided, single submitter. Criteria: Invitae Variant Classification Sherloc (09022015). Collection method: clinical testing. Allele origin: germline.
Comment: A gross deletion of the genomic region encompassing the full coding sequence of the MEN1 gene has been identified. The boundaries of this event are unknown as the deletion extends beyond the assayed region for this gene and therefore may encompass additional genes. Loss-of-function variants in MEN1 are known to be pathogenic. Similar deletions encompassing the whole MEN1 coding region have been reported in individuals affected with multiple endocrine neoplasia type 1 (PMID: 11836268, 25527055). For these reasons, this variant has been classified as Pathogenic.

NC_000011.10:g.(?_64803514)_(64810132_?)del

Gene: MEN1 (menin 1; minus strand). Cytogenetic location: 11q13.1.
Variant type: Deletion.
Identifiers: ClinVar variation 417316 (VCV000417316.1).